The following is an entry in ClinVar:

NM_020699.4(GATAD2B):c.1217-2A>G

Gene: GATAD2B (GATA zinc finger domain containing 2B; minus strand). Cytogenetic location: 1q21.3.
Variant type: single nucleotide variant.
Coding change: c.1217-2A>G on transcript NM_020699.4 (MANE Select); the canonical splice acceptor site of the intron before coding-DNA position 1217, A replaced by G.
Molecular consequence: splice acceptor variant.
Genome position (GRCh38, 1-based): chr1:153,813,454, T>C on the plus strand (A>G on the coding strand, the complement: GATAD2B is on the minus strand). VCF-style: chr1-153813454-T-C. GRCh37 (hg19) VCF-style: chr1-153785930-T-C.
Identifiers: ClinVar variation 280108 (VCV000280108.3), dbSNP rs1553187606, ClinGen allele CA10602750.

ClinVar aggregate classification (germline): Pathogenic (1 of 4 stars; one submission).

Submission:

GeneDx
Classification: Pathogenic. Last evaluated: 2023-04-11. Review status: criteria provided, single submitter. Criteria: GeneDx Variant Classification Process June 2021. Collection method: clinical testing. Allele origin: germline. Affected: yes.
Comment: Not observed at significant frequency in large population cohorts (gnomAD); Canonical splice site variant predicted to result in a null allele in a gene for which loss of function is a known mechanism of disease; This variant is associated with the following publications: (PMID: 25356899, 31949314)